The following is an entry in ClinVar:

ClinVar aggregate classification (germline): Uncertain significance (1 of 4 stars; one submission).

gnomAD v4.1: 30 of 1,613,048 alleles (0.0019%); highest among the groups gnomAD compares: Non-Finnish European, 0.0022%; no homozygotes.

Submission:

Labcorp Genetics (formerly Invitae), Labcorp
Classification: Uncertain significance. Last evaluated: 2025-04-11. Review status: criteria provided, single submitter. Criteria: Invitae Variant Classification Sherloc (09022015). Collection method: clinical testing. Allele origin: germline.
Comment: This sequence change affects an acceptor splice site in intron 12 of the MARK2 gene. However, it is currently unclear if variants that occur in this region of the gene cause disease. This variant is present in population databases (rs374423968, gnomAD 0.004%). This variant has not been reported in the literature in individuals affected with MARK2-related conditions. Algorithms developed to predict the effect of sequence changes on RNA splicing suggest that this variant may disrupt the consensus splice site. In summary, the available evidence is currently insufficient to determine the role of this variant in disease. Therefore, it has been classified as a Variant of Uncertain Significance.

NM_001039469.3(MARK2):c.1235-1G>A

Gene: MARK2 (microtubule affinity regulating kinase 2; plus strand). Cytogenetic location: 11q13.1.
Variant type: single nucleotide variant.
Coding change: c.1235-1G>A on transcript NM_001039469.3 (MANE Select); the canonical splice acceptor site of the intron before coding-DNA position 1235, G replaced by A.
Molecular consequence: splice acceptor variant. On other transcripts: intron variant (3).
Genome position (GRCh38, 1-based): chr11:63,902,600, G>A. VCF-style: chr11-63902600-G-A. GRCh37 (hg19) VCF-style: chr11-63670072-G-A.
Other names: c.1235-1G>A (NM_001163296.2); c.1235-4G>A (NM_004954.5, NM_001163297.2); c.1136-4G>A (NM_017490.4).
Identifiers: ClinVar variation 4754208 (VCV004754208.1).
Genomic context (GRCh38, chr11:63,902,600, plus strand): 5'-GTGGGGCTGGCACTCAGTGGACCCCTTGGCCTTACCCATTCCCATCCTCCCTCTGGCCCA[G>A]CAGCTGGTCCTGCCATTCCCACCTCTAATTCTTACTCTAAGAAGACTCAGAGTAACAACG-3'